The following is an entry in ClinVar:

ClinVar aggregate classification (germline): Uncertain significance (1 of 4 stars; one submission).

Submission:

Labcorp Genetics (formerly Invitae), Labcorp
Classification: Uncertain significance. Last evaluated: 2025-09-25. Review status: criteria provided, single submitter. Criteria: Invitae Variant Classification Sherloc (09022015). Collection method: clinical testing. Allele origin: germline.
Comment: This sequence change replaces aspartic acid, which is acidic and polar, with glutamic acid, which is acidic and polar, at codon 1033 of the KMT2B protein (p.Asp1033Glu). This variant is not present in population databases (gnomAD no frequency). This variant has not been reported in the literature in individuals affected with KMT2B-related conditions. Invitae Evidence Modeling of protein sequence and biophysical properties (such as structural, functional, and spatial information, amino acid conservation, physicochemical variation, residue mobility, and thermodynamic stability) indicates that this missense variant is not expected to disrupt KMT2B protein function with a negative predictive value of 95%. In summary, the available evidence is currently insufficient to determine the role of this variant in disease. Therefore, it has been classified as a Variant of Uncertain Significance.

NM_014727.3(KMT2B):c.3099T>A (p.Asp1033Glu)

Gene: KMT2B (lysine methyltransferase 2B; plus strand). Cytogenetic location: 19q13.12.
Variant type: single nucleotide variant.
Coding change: c.3099T>A on transcript NM_014727.3 (MANE Select); coding-DNA position 3099, T replaced by A.
Protein change: p.Asp1033Glu; replaces aspartic acid 1033 with glutamic acid.
Molecular consequence: missense variant.
Genome position (GRCh38, 1-based): chr19:35,723,772, T>A. VCF-style: chr19-35723772-T-A. GRCh37 (hg19) VCF-style: chr19-36214673-T-A.
Other names: short protein forms D1033E.
Identifiers: ClinVar variation 4765784 (VCV004765784.1).